The following is an entry in ClinVar:

ClinVar aggregate classification (germline): Uncertain significance. Review status: criteria provided, single submitter (1 of 4 stars). 2 submissions from 2 submitters: Uncertain significance (1). 1 of the submissions does not count toward it. Last evaluated 2025-10-25.

Allele frequency attached by ClinVar (database versions not stated): gnomAD exomes below 0.00001; TOPMed below 0.00001; ExAC 0.00001.

Submissions (2):

Labcorp Genetics (formerly Invitae), Labcorp
Classification: Uncertain significance. Last evaluated: 2025-10-25. Review status: criteria provided, single submitter. Criteria: Invitae Variant Classification Sherloc (09022015). Collection method: clinical testing. Allele origin: germline.
Comment: This sequence change replaces alanine, which is neutral and non-polar, with threonine, which is neutral and polar, at codon 32 of the PPP1CB protein (p.Ala32Thr). The frequency data for this variant in the population databases is considered unreliable, as metrics indicate poor data quality at this position in the gnomAD database. This variant has not been reported in the literature in individuals affected with PPP1CB-related conditions. ClinVar contains an entry for this variant (Variation ID: 1050446). Invitae Evidence Modeling of protein sequence and biophysical properties (such as structural, functional, and spatial information, amino acid conservation, physicochemical variation, residue mobility, and thermodynamic stability) indicates that this missense variant is not expected to disrupt PPP1CB protein function with a negative predictive value of 80%. In summary, the available evidence is currently insufficient to determine the role of this variant in disease. Therefore, it has been classified as a Variant of Uncertain Significance.

Department of Pathology and Laboratory Medicine, Sinai Health System
Classification: Uncertain significance. Review status: no assertion criteria provided. Collection method: clinical testing. Allele origin: unknown. Affected: yes. Study: The Canadian Open Genetics Repository (COGR). Not counted in ClinVar's aggregate classification.
Comment: The PPP1CB p.Ala32Thr variant was not identified in the literature nor was it identified in ClinVar or LOVD 3.0. The variant was identified in dbSNP (ID: rs760562458), Cosmic (FATHMM prediction of pathogenic; score 0.97). The variant was also found in control databases in 1 of 251258 chromosomes at a frequency of 0.000004 (Genome Aggregation Database Feb 27, 2017) and was observed in the following populations: European (non-Finnish) in 1 of 113604 chromosomes (freq: 0.000009), while the variant was not observed in the African, Latino, Ashkenazi Jewish, East Asian, European (Finnish), Other and South Asian populations. The variant occurs outside of the splicing consensus sequence and in silico or computational prediction software programs (SpliceSiteFinder, MaxEntScan, NNSPLICE, GeneSplicer) do not predict a difference in splicing. The p.Ala32 residue is conserved in mammals but not in more distantly related organisms however four out of five computational analyses (PolyPhen-2, SIFT, AlignGVGD, BLOSUM) do not suggest a high likelihood of impact to the protein; this information is not predictive enough to rule out pathogenicity. In summary, based on the above information the clinical significance of this variant cannot be determined with certainty at this time. This variant is classified as a variant of uncertain significance.

NM_002709.3(PPP1CB):c.94G>A (p.Ala32Thr)

Gene: PPP1CB (protein phosphatase 1 catalytic subunit beta; plus strand). Cytogenetic location: 2p23.2.
Variant type: single nucleotide variant.
Coding change: c.94G>A on transcript NM_002709.3 (MANE Select); coding-DNA position 94, G replaced by A.
Protein change: p.Ala32Thr; replaces alanine 32 with threonine.
Molecular consequence: missense variant.
Genome position (GRCh38, 1-based): chr2:28,776,892, G>A. VCF-style: chr2-28776892-G-A. GRCh37 (hg19) VCF-style: chr2-28999758-G-A.
Other names: c.94G>A, p.Ala32Thr (NM_206876.2); short protein forms A32T.
Identifiers: ClinVar variation 1050446 (VCV001050446.2), dbSNP rs760562458, ClinGen allele CA1589164.